The following is an entry in ClinVar:

ClinVar aggregate classification (germline): Uncertain significance (1 of 4 stars; one submission).

Conditions:
Baller-Gerold syndrome (BGS). Also called: CRANIOSYNOSTOSIS WITH RADIAL DEFECTS. Identifiers: Orphanet 1225, MedGen C0265308, MONDO:0009039, OMIM 218600.

Allele frequency attached by ClinVar (database versions not stated): gnomAD exomes below 0.00001; TOPMed below 0.00001; gnomAD 0.00001; ExAC 0.00003; 1000 Genomes Project 30x 0.00016; 1000 Genomes Project 0.00020.
gnomAD v4.1: 2 of 1,573,424 alleles (0.00013%); highest among the groups gnomAD compares: Admixed American, 0.0037%; no homozygotes.

Submission:

Labcorp Genetics (formerly Invitae), Labcorp
Classification: Uncertain significance for Baller-Gerold syndrome. Last evaluated: 2025-04-13. Review status: criteria provided, single submitter. Criteria: Invitae Variant Classification Sherloc (09022015). Collection method: clinical testing. Allele origin: germline.
Comment: This sequence change replaces glutamic acid, which is acidic and polar, with glutamine, which is neutral and polar, at codon 883 of the RECQL4 protein (p.Glu883Gln). The frequency data for this variant in the population databases is considered unreliable, as metrics indicate poor data quality at this position in the gnomAD database. This variant has not been reported in the literature in individuals affected with RECQL4-related conditions. ClinVar contains an entry for this variant (Variation ID: 2890969). Experimental studies and prediction algorithms are not available or were not evaluated, and the functional significance of this variant is currently unknown. In summary, the available evidence is currently insufficient to determine the role of this variant in disease. Therefore, it has been classified as a Variant of Uncertain Significance.

NM_004260.4(RECQL4):c.2647G>C (p.Glu883Gln)

Gene: RECQL4 (RecQ like helicase 4; minus strand). Cytogenetic location: 8q24.3.
Variant type: single nucleotide variant.
Coding change: c.2647G>C on transcript NM_004260.4 (MANE Select); coding-DNA position 2647, G replaced by C.
Protein change: p.Glu883Gln; replaces glutamic acid 883 with glutamine.
Molecular consequence: missense variant. On other transcripts: non-coding transcript variant (3).
Genome position (GRCh38, 1-based): chr8:144,512,955, C>G on the plus strand (G>C on the coding strand, the complement: RECQL4 is on the minus strand). VCF-style: chr8-144512955-C-G. GRCh37 (hg19) VCF-style: chr8-145738338-C-G.
Other names: c.2353G>C, p.Glu785Gln (NM_001413017.1); c.2449G>C, p.Glu817Gln (NM_001413018.1); c.2647G>C, p.Glu883Gln (NM_001413019.1, NM_001413036.1); c.2551G>C, p.Glu851Gln (NM_001413020.1); c.1576G>C, p.Glu526Gln (NM_001413021.1, NM_001413022.1, NM_001413023.1 and 5 more transcripts); c.2518G>C, p.Glu840Gln (NM_001413025.1); c.1510G>C, p.Glu504Gln (NM_001413027.1, NM_001413030.1, NM_001413032.1 and 1 more transcripts); c.2296G>C, p.Glu766Gln (NM_001413029.1); and 6 more; short protein forms E394Q, E873Q, E883Q, E460Q, E504Q, E516Q, E526Q, E839Q.
Identifiers: ClinVar variation 2890969 (VCV002890969.3), dbSNP rs555817330, ClinGen allele CA4948160.